The following is an entry in ClinVar:

ClinVar aggregate classification (germline): Uncertain significance. Review status: criteria provided, multiple submitters, no conflicts (2 of 4 stars). 2 submissions from 2 submitters: Uncertain significance (2). Last evaluated 2024-04-11.

Conditions:
Hereditary cancer-predisposing syndrome. Also called: Neoplastic Syndromes, Hereditary; Hereditary Cancer Syndrome; Tumor predisposition; Hereditary neoplastic syndrome. Identifiers: Orphanet 140162, MedGen C0027672, MeSH D009386, MONDO:0015356.
Breast and/or ovarian cancer. Identifiers: MedGen CN221562.

Allele frequency attached by ClinVar (database versions not stated): gnomAD exomes below 0.00001; ExAC 0.00001.
gnomAD v4.1: 7 of 1,613,914 alleles (0.00043%); highest among the groups gnomAD compares: Non-Finnish European, 0.00051%; no homozygotes.

Submissions (2):

Ambry Genetics
Classification: Uncertain significance for Hereditary cancer-predisposing syndrome. Last evaluated: 2024-04-11. Review status: criteria provided, single submitter. Criteria: Ambry Variant Classification Scheme 2023. Collection method: clinical testing. Allele origin: germline.
Comment: The p.L804R variant (also known as c.2411T>G), located in coding exon 15 of the ATM gene, results from a T to G substitution at nucleotide position 2411. The leucine at codon 804 is replaced by arginine, an amino acid with dissimilar properties. This amino acid position is conserved. In addition, this alteration is predicted to be deleterious by in silico analysis. Based on the available evidence, the clinical significance of this variant remains unclear.

CHEO Genetics Diagnostic Laboratory, Children's Hospital of Eastern Ontario
Classification: Uncertain significance for Breast and/or ovarian cancer. Last evaluated: 2023-04-26. Review status: criteria provided, single submitter. Criteria: ACMG Guidelines, 2015. Collection method: clinical testing. Allele origin: germline.

NM_000051.4(ATM):c.2411T>G (p.Leu804Arg)

Gene: ATM (ATM serine/threonine kinase; plus strand). Cytogenetic location: 11q22.3.
Variant type: single nucleotide variant.
Coding change: c.2411T>G on transcript NM_000051.4 (MANE Select); coding-DNA position 2411, T replaced by G.
Protein change: p.Leu804Arg; replaces leucine 804 with arginine.
Molecular consequence: missense variant.
Genome position (GRCh38, 1-based): chr11:108,259,020, T>G. VCF-style: chr11-108259020-T-G. GRCh37 (hg19) VCF-style: chr11-108129747-T-G.
Other names: c.2411T>G, p.Leu804Arg (NM_001351834.2); short protein forms L804R.
Identifiers: ClinVar variation 2691156 (VCV002691156.2), dbSNP rs754642674, ClinGen allele CA6265020.